The following is an entry in ClinVar:

ClinVar aggregate classification (germline): Likely benign. Review status: criteria provided, multiple submitters, no conflicts (2 of 4 stars). 4 submissions from 4 submitters: Likely benign (4). Last evaluated 2024-07-02.

Conditions:
Cardiovascular phenotype. Identifiers: MedGen CN230736.
Autosomal recessive limb-girdle muscular dystrophy type 2J (LGMDR10). Also called: Limb-girdle muscular dystrophy, type 2J; MUSCULAR DYSTROPHY, LIMB-GIRDLE, AUTOSOMAL RECESSIVE 10. Identifiers: Orphanet 140922, MedGen C1837342, MONDO:0012127, OMIM 608807.
Dilated cardiomyopathy 1G (CMD1G). Identifiers: Orphanet 154, MedGen C1858763, MONDO:0011400, OMIM 604145.

gnomAD v4.1: 14 of 1,610,498 alleles (0.00087%); highest among the groups gnomAD compares: Non-Finnish European, 0.0011%; no homozygotes.

Submissions (4):

Blueprint Genetics
Classification: Likely benign. Last evaluated: 2024-07-02. Review status: criteria provided, single submitter. Criteria: ACMG Guidelines, 2015. Collection method: clinical testing. Allele origin: germline.

Women's Health and Genetics/Laboratory Corporation of America, LabCorp
Classification: Likely benign. Last evaluated: 2020-01-20. Review status: criteria provided, single submitter. Criteria: LabCorp Variant Classification Summary - May 2015. Collection method: clinical testing. Allele origin: germline.
Comment: Variant summary: TTN c.78744C>T alters a non-conserved nucleotide resulting in a synonymous change. 4/4 computational tools predict no significant impact on normal splicing. However, these predictions have yet to be confirmed by functional studies. The variant was absent in 244934 control chromosomes. The available data on variant occurrences in the general population are insufficient to allow any conclusion about variant significance. To our knowledge, no occurrence of c.78744C>T in individuals affected with Cardiomyopathy and no experimental evidence demonstrating its impact on protein function have been reported. No clinical diagnostic laboratories have submitted clinical-significance assessments for this variant to ClinVar after 2014. Based on the evidence outlined above, the variant was classified as likely benign.

Ambry Genetics
Classification: Likely benign for Cardiovascular phenotype. Last evaluated: 2019-09-28. Review status: criteria provided, single submitter. Criteria: Ambry Variant Classification Scheme 2023. Collection method: clinical testing. Allele origin: germline.

Labcorp Genetics (formerly Invitae), Labcorp
Classification: Likely benign for Dilated cardiomyopathy 1G; Autosomal recessive limb-girdle muscular dystrophy type 2J. Last evaluated: 2019-05-16. Review status: criteria provided, single submitter. Criteria: Invitae Variant Classification Sherloc (09022015). Collection method: clinical testing. Allele origin: germline.

NM_001267550.2(TTN):c.86448C>T (p.Asn28816=)

Genes: TTN (titin; minus strand), TTN-AS1 (TTN antisense RNA 1; plus strand). Cytogenetic location: 2q31.2.
Variant type: single nucleotide variant.
Coding change: c.86448C>T on transcript NM_001267550.2 (MANE Select); coding-DNA position 86448, C replaced by T.
Protein change: p.Asn28816=; no amino-acid change (asparagine 28816 retained).
Molecular consequence: synonymous variant.
Genome position (GRCh38, 1-based): chr2:178,559,684, G>A on the plus strand (C>T on the coding strand, the complement: TTN is on the minus strand). VCF-style: chr2-178559684-G-A. GRCh37 (hg19) VCF-style: chr2-179424411-G-A.
Other names: c.81525C>T, p.Asn27175= (NM_001256850.1); c.59253C>T, p.Asn19751= (NM_003319.4); c.78744C>T, p.Asn26248= (NM_133378.4); c.59628C>T, p.Asn19876= (NM_133432.3); c.59829C>T, p.Asn19943= (NM_133437.4).
Identifiers: ClinVar variation 917624 (VCV000917624.13), dbSNP rs774349799, ClinGen allele CA60983848.